The following is an entry in ClinVar:

NC_000005.10:g.112849754A>G

Variant type: single nucleotide variant.
Genome position: GRCh38 VCF-style: chr5-112849754-A-G. GRCh37 (hg19) VCF-style: chr5-112185451-A-G.
Identifiers: ClinVar variation 83296 (VCV000083296.3), dbSNP rs565603, ClinGen allele CA250988.

ClinVar aggregate classification (germline): other (0 of 4 stars; one submission).

Conditions:
Familial colorectal cancer. Identifiers: MedGen CN280943, MONDO:0023113. Disease mechanism: loss of function.

Submission:

Systems Biology Platform Zhejiang California International NanoSystems Institute
Classification: other for Familial colorectal cancer. Review status: no assertion criteria provided. Collection method: not provided. Allele origin: unknown.
ClinVar note: Converted during submission from cancer to other.